The following is an entry in ClinVar:

ClinVar aggregate classification (germline): Conflicting classifications of pathogenicity. Review status: criteria provided, conflicting classifications (1 of 4 stars). 6 submissions from 6 submitters: Likely pathogenic (1); Uncertain significance (5). Last evaluated 2025-07-14.

Conditions:
Catecholaminergic polymorphic ventricular tachycardia (CVPT). Also called: Catecholamine-induced polymorphic ventricular tachycardia. Identifiers: Orphanet 3286, MedGen C5574922, MONDO:0017990.
Cardiomyopathy (CMYO). Also called: Cardiomyopathies. Identifiers: Orphanet 167848, MedGen C0878544, MONDO:0004994, HP:0001638. Inheritance: Various modes of inheritance.
Ventricular arrhythmias due to cardiac ryanodine receptor calcium release deficiency syndrome. Also called: Autosomal dominant cardiac arrhythmia (Kuhn). Identifiers: MedGen C5542154, MONDO:0020745, OMIM 115000.
Catecholaminergic polymorphic ventricular tachycardia 1. Also called: RYR2-Related Catecholaminergic Polymorphic Ventricular Tachycardia; VENTRICULAR TACHYCARDIA, STRESS-INDUCED POLYMORPHIC 1; VENTRICULAR TACHYCARDIA, CATECHOLAMINERGIC POLYMORPHIC, 1, WITH OR WITHOUT ATRIAL DYSFUNCTION AND/OR DILATED CARDIOMYOPATHY. Identifiers: Orphanet 3286, MedGen C1631597, MONDO:0011484, OMIM 604772.

Allele frequency attached by ClinVar (database versions not stated): gnomAD exomes below 0.00001 and 0.00001.
gnomAD v4.1: 10 of 1,613,774 alleles (0.00062%); highest among the groups gnomAD compares: Non-Finnish European, 0.00085%; no homozygotes.

Submissions (6):

Color Diagnostics, LLC DBA Color Health
Classification: Uncertain significance for Cardiomyopathy. Last evaluated: 2025-07-14. Review status: criteria provided, single submitter. Criteria: ACMG Guidelines, 2015. Collection method: clinical testing. Allele origin: germline.
Comment: This missense variant replaces proline with leucine at codon 2328 of the RYR2 protein. Computational prediction suggests that this variant may have a deleterious impact on protein structure and function. This variant is found within a highly conserved region of the cytoplasmic domain. Rare nontruncating variants in this region (a.a. 2138-2538) have been shown to be significantly overrepresented in individuals with catecholaminergic polymorphic ventricular tachycardia (PMID: 19926015, 30696458). This variant has not been reported in individuals affected with RYR2-related disorders in the literature. This variant has been identified in 1/249156 chromosomes in the general population by the Genome Aggregation Database (gnomAD). Different missense variants occurring at the same codon, p.Pro2328Ser and p.Pro2328Ala (ClinVar variation ID: 12960, 840374), are reported to be disease-causing, indicating that proline at this position is important for RYR2 protein function.

Labcorp Genetics (formerly Invitae), Labcorp
Classification: Likely pathogenic for Catecholaminergic polymorphic ventricular tachycardia 1. Last evaluated: 2025-01-30. Review status: criteria provided, single submitter. Criteria: Invitae Variant Classification Sherloc (09022015). Collection method: clinical testing. Allele origin: germline.
Comment: This sequence change replaces proline, which is neutral and non-polar, with leucine, which is neutral and non-polar, at codon 2328 of the RYR2 protein (p.Pro2328Leu). This variant is present in population databases (rs727503401, gnomAD 0.0009%). This variant has not been reported in the literature in individuals affected with RYR2-related conditions. ClinVar contains an entry for this variant (Variation ID: 165105). Invitae Evidence Modeling of protein sequence and biophysical properties (such as structural, functional, and spatial information, amino acid conservation, physicochemical variation, residue mobility, and thermodynamic stability) indicates that this missense variant is expected to disrupt RYR2 protein function with a positive predictive value of 95%. This variant disrupts the p.Pro2328 amino acid residue in RYR2. Other variant(s) that disrupt this residue have been determined to be pathogenic (PMID: 15197150; internal data). This suggests that this residue is clinically significant, and that variants that disrupt this residue are likely to be disease-causing. In summary, the currently available evidence indicates that the variant is pathogenic, but additional data are needed to prove that conclusively. Therefore, this variant has been classified as Likely Pathogenic.

All of Us Research Program, National Institutes of Health
Classification: Uncertain significance for Catecholaminergic polymorphic ventricular tachycardia. Last evaluated: 2023-08-08. Review status: criteria provided, single submitter. Criteria: ACMG Guidelines, 2015. Collection method: clinical testing. Allele origin: germline. Inheritance: Autosomal dominant inheritance. Observed: 2 variant alleles, 2 heterozygotes.
Comment: This missense variant replaces proline with leucine at codon 2328 of the RYR2 protein. Computational prediction suggests that this variant may have deleterious impact on protein structure and function (internally defined REVEL score threshold >= 0.7, PMID: 27666373). This variant is found within a highly conserved region of the cytoplasmic domain. Rare nontruncating variants in this region (a.a. 2138-2538) have been shown to be significantly overrepresented in individuals with catecholaminergic polymorphic ventricular tachycardia (PMID: 19926015, 30696458). This variant has not been reported in individuals affected with RYR2-related disorders in the literature. This variant has been identified in 1/249156 chromosomes in the general population by the Genome Aggregation Database (gnomAD). A different missense variant occurring at the same codon, p.Pro2328Ser (Clinvar variation ID: 12960), is known to cause familial polymorphic ventricular tachycardia, suggesting that proline at this position is important for RYR2 protein function. Although there is a suspicion for a pathogenic role, the available evidence is insufficient to determine the role of this variant in disease conclusively. Therefore, this variant is classified as a Variant of Uncertain Significance.

This study involves interpretation of variants in research participants for the purpose of population health screening. Participant phenotype was not available at the time of variant classification. Additional details can be found in publication PMID: 35346344, PMCID: PMC8962531

Department of Pathology and Laboratory Medicine, Sinai Health System
Classification: Uncertain significance for Ventricular arrhythmias due to cardiac ryanodine receptor calcium release deficiency syndrome; Catecholaminergic polymorphic ventricular tachycardia 1. Last evaluated: 2021-07-30. Review status: criteria provided, single submitter. Criteria: ACMG Guidelines, 2015. Collection method: research. Allele origin: germline.

Women's Health and Genetics/Laboratory Corporation of America, LabCorp
Classification: Uncertain significance. Last evaluated: 2020-11-04. Review status: criteria provided, single submitter. Criteria: LabCorp Variant Classification Summary - May 2015. Collection method: clinical testing. Allele origin: germline.
Comment: Variant summary: RYR2 c.6983C>T (p.Pro2328Leu) results in a non-conservative amino acid change located in the RIH Domain (IPR000699) of the encoded protein sequence. Five of five in-silico tools predict a damaging effect of the variant on protein function. The variant allele was found at a frequency of 4e-06 in 249156 control chromosomes. The available data on variant occurrences in the general population are insufficient to allow any conclusion about variant significance. To our knowledge, no occurrence of c.6983C>T in individuals affected with Cardiomyopathy and no experimental evidence demonstrating its impact on protein function have been reported. However, another variant resulting in a different amino acid substitution at the same position (c.6982C>T, p.P2328S) has been reported in the literature in individuals affected with tachycardia (e.g. PMID: 15197150). One clinical diagnostic laboratory has submitted clinical-significance assessments for this variant to ClinVar after 2014 without evidence for independent evaluation, citing the variant as uncertain significance. Based on the evidence outlined above, the variant was classified as VUS-possibly pathogenic.

Laboratory for Molecular Medicine, Mass General Brigham Personalized Medicine
Classification: Uncertain significance. Last evaluated: 2013-04-20. Review status: criteria provided, single submitter. Criteria: LMM Criteria. Collection method: clinical testing. Allele origin: germline. Observed: 1 variant allele.
Comment: Variant classified as Uncertain Significance - Favor Pathogenic. The Pro2328Leu variant in RYR2 has not been reported in individuals with cardiomyopathy or in l arge population studies. However, another variant at this position, Pro2328Ser, is strongly associated with CPVT, and segregated with disease in >10 individuals in one family (Laitinen 2001, Lehnart 2004), suggesting that a change at this p osition would not be tolerated. In addition, computational analyses (biochemical amino acid properties, conservation, AlignGVGD, PolyPhen2, and SIFT) suggest th at the Pro2328Leu variant may impact the protein, though this information is not predictive enough to determine pathogenicity. Although this data supports that the Pro2328Leu variant may be pathogenic, additional studies are needed to fully assess its clinical significance.

Literature cited by the submitters: PubMed 19926015 (cited by Color Diagnostics, LLC DBA Color Health and All of Us Research Program, National Institutes of Health); PubMed 30696458 (cited by Color Diagnostics, LLC DBA Color Health and All of Us Research Program, National Institutes of Health); PubMed 15197150 (cited by Labcorp Genetics (formerly Invitae), Labcorp and Laboratory for Molecular Medicine, Mass General Brigham Personalized Medicine); PubMed 11157710 (cited by Laboratory for Molecular Medicine, Mass General Brigham Personalized Medicine).

NM_001035.3(RYR2):c.6983C>T (p.Pro2328Leu)

Gene: RYR2 (ryanodine receptor 2; plus strand). Cytogenetic location: 1q43.
Variant type: single nucleotide variant.
Coding change: c.6983C>T on transcript NM_001035.3 (MANE Select); coding-DNA position 6983, C replaced by T.
Protein change: p.Pro2328Leu; replaces proline 2328 with leucine.
Molecular consequence: missense variant.
Genome position (GRCh38, 1-based): chr1:237,639,069, C>T. VCF-style: chr1-237639069-C-T. GRCh37 (hg19) VCF-style: chr1-237802369-C-T.
Other names: short protein forms P2328L.
Identifiers: ClinVar variation 165105 (VCV000165105.22), dbSNP rs727503401, ClinGen allele CA010470.